The following is an entry in ClinVar:

ClinVar aggregate classification (germline): Likely pathogenic (1 of 4 stars; one submission).

Conditions:
Autosomal dominant CACNA1A-related disorders.

Submission:

Variantyx, Inc.
Classification: Likely pathogenic for Autosomal dominant CACNA1A-related disorders. Last evaluated: 2025-08-28. Review status: criteria provided, single submitter. Criteria: Variantyx Assertion Criteria 2022. Collection method: clinical testing. Allele origin: de novo. Inheritance: Autosomal dominant inheritance. Affected: yes.
Comment: This is an inframe deletion variant in the CACNA1A gene (OMIM: 601011). Pathogenic variants in this gene have been associated with autosomal dominant CACNA1A-related disorders. This variant causes an in-frame deletion of a single amino acid at position 1960 of the CACNA1A protein (PM4_Supporting). It is absent from control populations (PM2). Based on the current evidence, this variant is classified as likely pathogenic for autosomal dominant CACNA1A-related disorders.

NM_001127222.2(CACNA1A):c.5877GAT[1] (p.Met1960del)

Gene: CACNA1A (calcium voltage-gated channel subunit alpha1 A; minus strand). Cytogenetic location: 19p13.13.
Variant type: Microsatellite.
Coding change: c.5877GAT[1] on transcript NM_001127222.2 (MANE Select); one copy of the 3-base unit GAT starting at c.5877; the reference has two copies in a row; one copy, 3 bases deleted; also written c.5880_5882del.
Protein change: p.Met1960del; deletes methionine 1960.
Molecular consequence: inframe deletion.
Genome position (GRCh38, 1-based): chr19:13,214,291-13,214,293, ATC deleted on the plus strand (GAT on the coding strand, the reverse complement: CACNA1A is on the minus strand); deleting any 3 consecutive bases within chr19:13,214,291-13,214,298 gives the same sequence; the position shown is the placement nearest the transcript's 3' end. VCF-style (leftmost placement, unchanged base first): chr19-13214290-GATC-G. GRCh37 (hg19) VCF-style: chr19-13325104-GATC-G.
Other names: c.5895GAT[1], p.Met1966del (NM_000068.4, NM_023035.3); c.5880GAT[1], p.Met1961del (NM_001127221.2); c.5886GAT[1], p.Met1963del (NM_001174080.2); c.5880_5882del (NM_001127222.2); short protein forms M1960del, M1961del, M1963del, M1966del.
Identifiers: ClinVar variation 4850767 (VCV004850767.1).